The following is an entry in ClinVar:

ClinVar aggregate classification (germline): Uncertain significance (1 of 4 stars; one submission).

Conditions:
Inborn genetic diseases. Identifiers: MedGen C0950123, MeSH D030342.

Submission:

Ambry Genetics
Classification: Uncertain significance for Inborn genetic diseases. Last evaluated: 2025-05-15. Review status: criteria provided, single submitter. Criteria: Ambry Variant Classification Scheme 2023. Collection method: clinical testing. Allele origin: germline.
Comment: The c.772+5A>G intronic alteration consists of an A to G substitution 5 nucleotides after exon 5 of the CFI gene. Based on insufficient or conflicting evidence, the clinical significance of this alteration remains unclear.

NM_000204.5(CFI):c.772+5A>G

Gene: CFI (complement factor I; minus strand). Cytogenetic location: 4q25.
Variant type: single nucleotide variant.
Coding change: c.772+5A>G on transcript NM_000204.5 (MANE Select); 5 bases into the intron after coding-DNA position 772, A replaced by G.
Molecular consequence: intron variant.
Genome position (GRCh38, 1-based): chr4:109,760,518, T>C on the plus strand (A>G on the coding strand, the complement: CFI is on the minus strand). VCF-style: chr4-109760518-T-C. GRCh37 (hg19) VCF-style: chr4-110681674-T-C.
Other names: c.772+5A>G (NM_001375282.1, NM_001375280.1, NM_001375281.1 and 5 more transcripts); c.163+5A>G (NM_001375284.1).
Identifiers: ClinVar variation 4001779 (VCV004001779.1).